The following is an entry in ClinVar:

NM_001184.4(ATR):c.7274G>A (p.Arg2425Gln)

Gene: ATR (ATR checkpoint kinase; minus strand). Cytogenetic location: 3q23.
Variant type: single nucleotide variant.
Coding change: c.7274G>A on transcript NM_001184.4 (MANE Select); coding-DNA position 7274, G replaced by A.
Protein change: p.Arg2425Gln; replaces arginine 2425 with glutamine.
Molecular consequence: missense variant.
Genome position (GRCh38, 1-based): chr3:142,459,302, C>T on the plus strand (G>A on the coding strand, the complement: ATR is on the minus strand). VCF-style: chr3-142459302-C-T. GRCh37 (hg19) VCF-style: chr3-142178144-C-T.
Other names: p.R2425Q:CGA>CAA; c.7082G>A, p.Arg2361Gln (NM_001354579.2); short protein forms R2425Q, R2361Q.
Identifiers: ClinVar variation 136470 (VCV000136470.25), dbSNP rs2229032, ClinGen allele CA171378.

ClinVar aggregate classification (germline): Benign/Likely benign. Review status: criteria provided, multiple submitters, no conflicts (2 of 4 stars). 12 submissions from 11 submitters: Benign (11); Likely benign (1). Last evaluated 2026-02-04.

Conditions:
Hereditary cancer-predisposing syndrome. Also called: Tumor predisposition; Hereditary neoplastic syndrome; Neoplastic Syndromes, Hereditary; Hereditary Cancer Syndrome. Identifiers: Orphanet 140162, MedGen C0027672, MeSH D009386, MONDO:0015356.
Familial cutaneous telangiectasia and oropharyngeal predisposition cancer syndrome. Identifiers: Orphanet 313846, MedGen C3281203, MONDO:0013806, OMIM 614564.
Seckel syndrome 1 (SCKL1). Also called: MICROCEPHALIC PRIMORDIAL DWARFISM I. Identifiers: Orphanet 808, MedGen C4551474, MONDO:0008869, OMIM 210600.

Allele frequency attached by ClinVar (database versions not stated): 1000 Genomes Project 30x 0.09963; 1000 Genomes Project 0.10224; TOPMed 0.12036; gnomAD 0.12724 and 0.12815; gnomAD exomes 0.13060; ExAC 0.13279; ESP Exome Variant Server 0.13417.
gnomAD v4.1: 236,747 of 1,613,772 alleles (15%); highest among the groups gnomAD compares: Non-Finnish European, 16%; 18,203 homozygotes.

Submissions (12):

Labcorp Genetics (formerly Invitae), Labcorp
Classification: Benign. Last evaluated: 2026-02-04. Review status: criteria provided, single submitter. Criteria: Invitae Variant Classification Sherloc (09022015). Collection method: clinical testing. Allele origin: germline.

GeneKor MSA
Classification: Benign for Hereditary cancer-predisposing syndrome. Last evaluated: 2025-07-10. Review status: criteria provided, single submitter. Criteria: ACMG Guidelines, 2015. Collection method: clinical testing. Allele origin: germline.

Blueprint Genetics
Classification: Likely benign. Last evaluated: 2024-11-26. Review status: criteria provided, single submitter. Criteria: ACMG Guidelines, 2015. Collection method: clinical testing. Allele origin: germline.

KCCC/NGS Laboratory, Kuwait Cancer Control Center
Classification: Benign for Familial cutaneous telangiectasia and oropharyngeal predisposition cancer syndrome. Last evaluated: 2023-07-07. Review status: criteria provided, single submitter. Criteria: ACMG Guidelines, 2015. Collection method: clinical testing. Allele origin: germline. Affected: yes.

Genome-Nilou Lab
Classification: Benign for Seckel syndrome 1. Last evaluated: 2023-02-08. Review status: criteria provided, single submitter. Criteria: ACMG Guidelines, 2015. Collection method: clinical testing. Allele origin: germline.

Genome-Nilou Lab
Classification: Benign for Familial cutaneous telangiectasia and oropharyngeal predisposition cancer syndrome. Last evaluated: 2023-02-08. Review status: criteria provided, single submitter. Criteria: ACMG Guidelines, 2015. Collection method: clinical testing. Allele origin: germline.

Illumina Laboratory Services, Illumina
Classification: Benign for Seckel syndrome 1. Last evaluated: 2018-01-13. Review status: criteria provided, single submitter. Criteria: ICSL Variant Classification Criteria 13 December 2019. Collection method: clinical testing. Allele origin: germline.
Comment: This variant was observed in the ICSL laboratory as part of a predisposition screen in an ostensibly healthy population. It had not been previously curated by ICSL or reported in the Human Gene Mutation Database (HGMD: prior to June 1st, 2018), and was therefore a candidate for classification through an automated scoring system. Utilizing variant allele frequency, disease prevalence and penetrance estimates, and inheritance mode, an automated score was calculated to assess if this variant is too frequent to cause the disease. Based on the score and internal cut-off values, a variant classified as benign is not then subjected to further curation. The score for this variant resulted in a classification of benign for this disease.

Women's Health and Genetics/Laboratory Corporation of America, LabCorp
Classification: Benign. Last evaluated: 2016-04-27. Review status: criteria provided, single submitter. Criteria: LabCorp Variant Classification Summary - May 2015. Collection method: clinical testing. Allele origin: germline.
Comment: Variant summary: The c.7274G>A variant involves the alteration of a non-conserved nucleotide and 4/4 in silico tools predict a neutral outcome. The variant was observed in the large, broad control population, ExAC, with an allele frequency of 13.3% which includes 1212 homozygous occurrences, strong evidence this variant is a benign polymorphism. The variant has been reported as benign by multiple reputable clinical labs/publications. Taken together, this variant has been classified as Benign.

Laboratory for Molecular Medicine, Mass General Brigham Personalized Medicine
Classification: Benign. Last evaluated: 2016-03-28. Review status: criteria provided, single submitter. Criteria: LMM Criteria. Collection method: clinical testing. Allele origin: germline.
Comment: Variant identified in a genome or exome case(s) and assessed due to predicted null impact of the variant or pathogenic assertions in the literature or databases. Disclaimer: This variant has not undergone full assessment. The following are preliminary notes: Frequency

GeneDx
Classification: Benign. Last evaluated: 2013-12-18. Review status: criteria provided, single submitter. Criteria: GeneDx Variant Classification (06012015). Collection method: clinical testing. Allele origin: germline. Affected: yes.
Comment: This variant is considered likely benign or benign based on one or more of the following criteria: it is a conservative change, it occurs at a poorly conserved position in the protein, it is predicted to be benign by multiple in silico algorithms, and/or has population frequency not consistent with disease.

Genetic Services Laboratory, University of Chicago
Classification: Benign. Last evaluated: 2013-08-15. Review status: criteria provided, single submitter. Criteria: ACMG Guidelines, 2007. Collection method: clinical testing. Allele origin: germline. Inheritance: Autosomal recessive inheritance.

Breakthrough Genomics
Classification: Benign. Review status: criteria provided, single submitter. Criteria: ACMG Guidelines, 2015. Collection method: not provided. Allele origin: germline. Inheritance: Autosomal recessive inheritance. Affected: yes.

Literature cited by the submitters: PubMed 17010193 (cited by Women's Health and Genetics/Laboratory Corporation of America, LabCorp).